The following is an entry in ClinVar:

NM_183357.3(ADCY5):c.526G>C (p.Gly176Arg)

Gene: ADCY5 (adenylate cyclase 5; minus strand). Cytogenetic location: 3q21.1.
Variant type: single nucleotide variant.
Coding change: c.526G>C on transcript NM_183357.3 (MANE Select); coding-DNA position 526, G replaced by C.
Protein change: p.Gly176Arg; replaces glycine 176 with arginine.
Molecular consequence: missense variant.
Genome position (GRCh38, 1-based): chr3:123,448,020, C>G on the plus strand (G>C on the coding strand, the complement: ADCY5 is on the minus strand). VCF-style: chr3-123448020-C-G. GRCh37 (hg19) VCF-style: chr3-123166867-C-G.
Other names: c.526G>C (NM_183357.2); c.526G>C, p.Gly176Arg (NM_001378259.1); short protein forms G176R.
Identifiers: ClinVar variation 2908686 (VCV002908686.5), dbSNP rs1015484639, ClinGen allele CA82636193.

ClinVar aggregate classification (germline): Conflicting classifications of pathogenicity. Review status: criteria provided, conflicting classifications (1 of 4 stars). 3 submissions from 3 submitters: Uncertain significance (2); Likely benign (1). Last evaluated 2025-10-02.

Conditions:
Inborn genetic diseases. Identifiers: MedGen C0950123, MeSH D030342.

Allele frequency attached by ClinVar (database versions not stated): gnomAD 0.00002; TOPMed 0.00004.
gnomAD v4.1: 25 of 1,270,890 alleles (0.002%); highest among the groups gnomAD compares: Non-Finnish European, 0.0024%; no homozygotes.

Submissions (3):

Labcorp Genetics (formerly Invitae), Labcorp
Classification: Likely benign. Last evaluated: 2025-10-02. Review status: criteria provided, single submitter. Criteria: Invitae Variant Classification Sherloc (09022015). Collection method: clinical testing. Allele origin: germline.

Ambry Genetics
Classification: Uncertain significance for Inborn genetic diseases. Last evaluated: 2024-07-17. Review status: criteria provided, single submitter. Criteria: Ambry Variant Classification Scheme 2023. Collection method: clinical testing. Allele origin: germline.

GeneDx
Classification: Uncertain significance. Last evaluated: 2023-06-28. Review status: criteria provided, single submitter. Criteria: GeneDx Variant Classification Process June 2021. Collection method: clinical testing. Allele origin: germline. Affected: yes.
Comment: In silico analysis supports that this missense variant does not alter protein structure/function; Has not been previously published as pathogenic or benign to our knowledge